The following is an entry in ClinVar:

ClinVar aggregate classification (germline): Uncertain significance (1 of 4 stars; one submission).

Submission:

Labcorp Genetics (formerly Invitae), Labcorp
Classification: Uncertain significance. Last evaluated: 2024-09-08. Review status: criteria provided, single submitter. Criteria: Invitae Variant Classification Sherloc (09022015). Collection method: clinical testing. Allele origin: germline.
Comment: This sequence change falls in intron 7 of the IL23R gene. It does not directly change the encoded amino acid sequence of the IL23R protein. This variant is not present in population databases (gnomAD no frequency). This variant has not been reported in the literature in individuals affected with IL23R-related conditions. Algorithms developed to predict the effect of sequence changes on RNA splicing suggest that this variant may disrupt the consensus splice site. In summary, the available evidence is currently insufficient to determine the role of this variant in disease. Therefore, it has been classified as a Variant of Uncertain Significance.

NM_144701.3(IL23R):c.956-10T>G

Gene: IL23R (interleukin 23 receptor; plus strand). Cytogenetic location: 1p31.3.
Variant type: single nucleotide variant.
Coding change: c.956-10T>G on transcript NM_144701.3 (MANE Select); 10 bases into the intron before coding-DNA position 956, T replaced by G.
Molecular consequence: intron variant.
Genome position (GRCh38, 1-based): chr1:67,236,703, T>G. VCF-style: chr1-67236703-T-G. GRCh37 (hg19) VCF-style: chr1-67702386-T-G.
Identifiers: ClinVar variation 3666896 (VCV003666896.2).